The following is an entry in ClinVar:

ClinVar aggregate classification (germline): Pathogenic (1 of 4 stars; one submission).

Submission:

ISCA Site 6
Classification: Pathogenic. Last evaluated: 2011-08-12. Review status: criteria provided, single submitter. Criteria: Kaminsky et al. (Genet Med. 2011). Collection method: clinical testing. Allele origin: unknown. Affected: yes. Observed: 1 variant allele.
Comment: Copy number variation identified through the course of routine clinical cytogenomic testing in postnatal populations. Clinical assertions have been curated as described in Kaminsky et al. 2011.

GRCh38/hg38 22q11.21(chr22:18339130-20588575)x3

Genes: ARVCF (ARVCF delta catenin family member; minus strand), C22orf39 (chromosome 22 open reading frame 39; minus strand), CCDC188 (coiled-coil domain containing 188; minus strand), CDC45 (cell division cycle 45; plus strand), CLDN5 (claudin 5; minus strand) and 145 more. Cytogenetic location: 22q11.21.
Variant type: copy number gain.
Change: copy number 3 (three copies instead of two) of chr22:18,339,130-20,588,575 (2.25 Mb, GRCh38 coordinates, 1-based), cytogenetic band 22q11.21.
Identifiers: ClinVar variation 58196 (VCV000058196.3).